The following is an entry in ClinVar:

ClinVar aggregate classification (germline): Conflicting classifications of pathogenicity. Review status: criteria provided, conflicting classifications (1 of 4 stars). 4 submissions from 4 submitters: Uncertain significance (3); Likely benign (1). Last evaluated 2026-07-28.

Conditions:
Vesicoureteral reflux 8 (VUR8). Identifiers: Orphanet 289365, MedGen C4014831, MONDO:0014422, OMIM 615963.
Ehlers-Danlos syndrome due to tenascin-X deficiency (EDSCLL1). Also called: EDS DUE TO TNX DEFICIENCY; EHLERS-DANLOS SYNDROME, CLASSIC-LIKE; Ehlers-Danlos syndrome, classic-like, 1; TNX DEFICIENCY; TNXB-Related Classical-Like Ehlers-Danlos Syndrome. Identifiers: Orphanet 230839, MedGen C1848029, MONDO:0011670, OMIM 606408.
Cardiovascular phenotype. Identifiers: MedGen CN230736.

Allele frequency attached by ClinVar (database versions not stated): gnomAD exomes 0.00002; gnomAD 0.00001; ExAC 0.00002; TOPMed 0.00002.
gnomAD v4.1: 24 of 1,612,176 alleles (0.0015%); highest among the groups gnomAD compares: East Asian, 0.0067%; no homozygotes.

Submissions (4):

GeneDx
Classification: Uncertain significance. Last evaluated: 2026-07-28. Review status: criteria provided, single submitter. Criteria: GeneDx Variant Classification Process June 2021. Collection method: clinical testing. Allele origin: germline.
Comment: Has not been previously published as pathogenic or benign to our knowledge; Not observed at significant frequency in large population cohorts (gnomAD); In silico analysis suggests that this missense variant does not alter protein structure/function

Ambry Genetics
Classification: Likely benign for Cardiovascular phenotype. Last evaluated: 2025-03-12. Review status: criteria provided, single submitter. Criteria: Ambry Variant Classification Scheme 2023. Collection method: clinical testing. Allele origin: germline.

Women's Health and Genetics/Laboratory Corporation of America, LabCorp
Classification: Uncertain significance. Last evaluated: 2024-11-29. Review status: criteria provided, single submitter. Criteria: LabCorp Variant Classification Summary - May 2015. Collection method: clinical testing. Allele origin: germline.
Comment: Variant summary: TNXB c.7783G>A (p.Glu2595Lys) results in a conservative amino acid change in the encoded protein sequence. Five of five in-silico tools predict a benign effect of the variant on protein function. The variant allele was found at a frequency of 1.6e-05 in 245886 control chromosomes. The available data on variant occurrences in the general population are insufficient to allow any conclusion about variant significance. To our knowledge, no occurrence of c.7783G>A in individuals affected with Ehlers-Danlos syndrome due to tenascin-X deficiency and no experimental evidence demonstrating its impact on protein function have been reported. ClinVar contains an entry for this variant (Variation ID: 1304283). Based on the evidence outlined above, the variant was classified as uncertain significance.

Fulgent Genetics
Classification: Uncertain significance for Ehlers-Danlos syndrome due to tenascin-X deficiency; Vesicoureteral reflux 8. Last evaluated: 2021-11-15. Review status: criteria provided, single submitter. Criteria: ACMG Guidelines, 2015. Collection method: clinical testing. Allele origin: unknown.

NM_001365276.2(TNXB):c.7783G>A (p.Glu2595Lys)

Gene: TNXB (tenascin XB; minus strand). Cytogenetic location: 6p21.33.
Variant type: single nucleotide variant.
Coding change: c.7783G>A on transcript NM_001365276.2 (MANE Select); coding-DNA position 7783, G replaced by A.
Protein change: p.Glu2595Lys; replaces glutamic acid 2595 with lysine.
Molecular consequence: missense variant.
Genome position (GRCh38, 1-based): chr6:32,058,100, C>T on the plus strand (G>A on the coding strand, the complement: TNXB is on the minus strand). VCF-style: chr6-32058100-C-T. GRCh37 (hg19) VCF-style: chr6-32025877-C-T.
Other names: c.7783G>A, p.Glu2595Lys (NM_019105.8); short protein forms E2595K.
Identifiers: ClinVar variation 1304283 (VCV001304283.9), dbSNP rs374803743, ClinGen allele CA3734059.